The following is an entry in ClinVar:

NM_000051.4(ATM):c.2019_2020insGACAAG (p.Lys673_His674insAspLys)

Gene: ATM (ATM serine/threonine kinase; plus strand). Cytogenetic location: 11q22.3.
Variant type: Insertion.
Coding change: c.2019_2020insGACAAG on transcript NM_000051.4 (MANE Select); coding-DNA positions 2019 to 2020, GACAAG inserted.
Protein change: p.Lys673_His674insAspLys.
Molecular consequence: inframe insertion.
Genome position: GRCh38 VCF-style: chr11-108253931-A-AAAGGAC. GRCh37 (hg19) VCF-style: chr11-108124658-A-AAAGGAC.
Other names: c.2019_2020insGACAAG, p.Lys673_His674insAspLys (NM_001351834.2).
Identifiers: ClinVar variation 232306 (VCV000232306.5), dbSNP rs876659686, ClinGen allele CA10579037.

ClinVar aggregate classification (germline): Uncertain significance (1 of 4 stars; one submission).

Conditions:
Hereditary cancer-predisposing syndrome. Also called: Neoplastic Syndromes, Hereditary; Tumor predisposition; Hereditary Cancer Syndrome; Hereditary neoplastic syndrome. Identifiers: Orphanet 140162, MedGen C0027672, MeSH D009386, MONDO:0015356.

Submission:

Ambry Genetics
Classification: Uncertain significance for Hereditary cancer-predisposing syndrome. Last evaluated: 2015-06-22. Review status: criteria provided, single submitter. Criteria: Ambry Variant Classification Scheme 2023. Collection method: clinical testing. Allele origin: germline.
Comment: The c.2019_2020insGACAAG variant (also known as p.K673_H674insDK), located in coding exon 12 of the ATM gene, results from an in-frame insertion of 6 nucleotides between positions 2019 and 2020, causing the insertion of two amino acids (aspartate and lysine) between codons 673 and 674. This variant was not reported in population based cohorts in the following databases: Database of Single Nucleotide Polymorphisms (dbSNP), NHLBI Exome Sequencing Project (ESP), and 1000 Genomes Project. In the ESP, this variant was not observed in 6499 samples (12998 alleles) with coverage at this position. To date, this alteration has been detected with an allele frequency of approximately 0.002% (greater than 66000 alleles tested) in our clinical cohort. Since supporting evidence is limited at this time, the clinical significance of c.2019_2020insGACAAG remains unclear.